The following is an entry in ClinVar:

NM_000112.4(SLC26A2):c.2018A>G (p.Asp673Gly)

Gene: SLC26A2 (solute carrier family 26 member 2; plus strand). Cytogenetic location: 5q32.
Variant type: single nucleotide variant.
Coding change: c.2018A>G on transcript NM_000112.4 (MANE Select); coding-DNA position 2018, A replaced by G.
Protein change: p.Asp673Gly; replaces aspartic acid 673 with glycine.
Molecular consequence: missense variant.
Genome position (GRCh38, 1-based): chr5:149,981,611, A>G. VCF-style: chr5-149981611-A-G. GRCh37 (hg19) VCF-style: chr5-149361174-A-G.
Other names: short protein forms D673G.
Identifiers: ClinVar variation 403449 (VCV000403449.4), dbSNP rs774700553, ClinGen allele CA16609725.
Genomic context (GRCh38, chr5:149,981,611, plus strand): 5'-GCAGTGCAATTCAATTTTTAGATACAGCAGGGATCCACACACTGAAAGAAGTTCGCAGAG[A>G]TTATGAAGCCATTGGAATCCAGGTTCTGCTGGCTCAGTGCAATCCCACTGTGAGGGATTC-3'
Protein context (NP_000103.2, residues 663-683): GIHTLKEVRR[Asp673Gly]YEAIGIQVLL

ClinVar aggregate classification (germline): Uncertain significance (1 of 4 stars; one submission).

Submission:

Laboratory for Molecular Medicine, Mass General Brigham Personalized Medicine
Classification: Uncertain significance. Last evaluated: 2016-03-28. Review status: criteria provided, single submitter. Criteria: LMM Criteria. Collection method: clinical testing. Allele origin: germline.
Comment: Variant identified in a genome or exome case(s) and assessed due to predicted null impact of the variant or pathogenic assertions in the literature or databases. Disclaimer: This variant has not undergone full assessment. The following are preliminary notes: This variant has not been reported, but another variant at this position, Asp673Val, has been reported in a family with Spondylolysis (Cai 2015). Cleft palate has been reported in individuals with ATELOSTEOGENESIS, TYPE II due to SLC26A2, although inheritance is autosomal recessive.